The following is an entry in ClinVar:

NM_006899.5(IDH3B):c.1131C>G (p.Ile377Met)

Gene: IDH3B (isocitrate dehydrogenase (NAD(+)) 3 non-catalytic subunit beta; minus strand). Cytogenetic location: 20p13.
Variant type: single nucleotide variant.
Coding change: c.1131C>G on transcript NM_006899.5 (MANE Select); coding-DNA position 1131, C replaced by G.
Protein change: p.Ile377Met; replaces isoleucine 377 with methionine.
Molecular consequence: missense variant. On other transcripts: non-coding transcript variant (1), intron variant (1).
Genome position (GRCh38, 1-based): chr20:2,658,778, G>C on the plus strand (C>G on the coding strand, the complement: IDH3B is on the minus strand). VCF-style: chr20-2658778-G-C. GRCh37 (hg19) VCF-style: chr20-2639424-G-C.
Other names: c.1131C>G, p.Ile377Met (NM_001330763.2); c.1072-256C>G (NM_174855.4); short protein forms I377M.
Identifiers: ClinVar variation 998918 (VCV000998918.8), dbSNP rs773576408, ClinGen allele CA408032385.

ClinVar aggregate classification (germline): Uncertain significance (1 of 4 stars; one submission).

gnomAD v4.1: 2 of 1,614,056 alleles (0.00012%); highest among the groups gnomAD compares: Admixed American, 0.0017%; no homozygotes.

Submission:

Labcorp Genetics (formerly Invitae), Labcorp
Classification: Uncertain significance. Last evaluated: 2022-08-15. Review status: criteria provided, single submitter. Criteria: Invitae Variant Classification Sherloc (09022015). Collection method: clinical testing. Allele origin: germline.
Comment: In summary, the available evidence is currently insufficient to determine the role of this variant in disease. Therefore, it has been classified as a Variant of Uncertain Significance. Algorithms developed to predict the effect of sequence changes on RNA splicing suggest that this variant may disrupt the consensus splice site. Algorithms developed to predict the effect of missense changes on protein structure and function are either unavailable or do not agree on the potential impact of this missense change (SIFT: "Not Available"; PolyPhen-2: "Probably Damaging"; Align-GVGD: "Not Available"). ClinVar contains an entry for this variant (Variation ID: 998918). This variant has not been reported in the literature in individuals affected with IDH3B-related conditions. This variant is not present in population databases (gnomAD no frequency). This sequence change replaces isoleucine, which is neutral and non-polar, with methionine, which is neutral and non-polar, at codon 377 of the IDH3B protein (p.Ile377Met).